The following is an entry in ClinVar:

NM_001614.5(ACTG1):c.-6-3C>G

Gene: ACTG1 (actin gamma 1; minus strand). Cytogenetic location: 17q25.3.
Variant type: single nucleotide variant.
Coding change: c.-6-3C>G on transcript NM_001614.5 (MANE Select); 3 bases into the intron before 6 bases upstream of the start codon, C replaced by G.
Molecular consequence: intron variant.
Genome position (GRCh38, 1-based): chr17:81,512,363, G>C on the plus strand (C>G on the coding strand, the complement: ACTG1 is on the minus strand). VCF-style: chr17-81512363-G-C. GRCh37 (hg19) VCF-style: chr17-79479389-G-C.
Other names: c.-6-3C>G (NM_001199954.3).
Identifiers: ClinVar variation 4982113 (VCV004982113.1).

ClinVar aggregate classification (germline): Uncertain significance (1 of 4 stars; one submission).

Conditions:
ACTG1-related disorder. Also called: ACTG1-related condition; ACTG1-related disorders.

gnomAD v4.1: 17 of 1,613,928 alleles (0.0011%); highest among the groups gnomAD compares: Non-Finnish European, 0.0014%; no homozygotes.

Submission:

PreventionGenetics, part of Exact Sciences
Classification: Uncertain significance for ACTG1-related condition. Last evaluated: 2026-06-24. Review status: criteria provided, single submitter. Criteria: ACMG Guidelines, 2015. Collection method: clinical testing. Allele origin: germline.
Comment: The ACTG1 c.-6-3C>G variant is located in the 5' untranslated region. This variant is predicted to alter splicing based on available splicing prediction programs (SpliceAI, Jaganathan et al. 2019. PubMed ID: 30661751). To our knowledge, this variant has not been reported in the literature or in a large population database (gnomAD), indicating this variant is rare. At this time, the clinical significance of this variant is uncertain due to the absence of conclusive functional and genetic evidence.